The following is an entry in ClinVar:

NM_001395159.1(UNC79):c.4658dup (p.His1554fs)

Gene: UNC79 (unc-79 subunit of NALCN channel complex; plus strand). Cytogenetic location: 14q32.12.
Variant type: Duplication.
Coding change: c.4658dup on transcript NM_001395159.1 (MANE Select); coding-DNA position 4658, one base duplicated (T; older notation c.4658dupT).
Protein change: p.His1554fs; shifts the reading frame from histidine 1554.
Molecular consequence: frameshift variant.
Genome position (GRCh38, 1-based): chr14:93,621,675, T duplicated. VCF-style (leftmost placement, unchanged base first): chr14-93621674-C-CT. GRCh37 (hg19) VCF-style: chr14-94088020-C-CT.
Other names: c.4592dup, p.His1532fs (NM_001346218.2); c.3911dup, p.His1305fs (NM_020818.5); short protein forms H1305fs, H1532fs, H1554fs.
Identifiers: ClinVar variation 3901859 (VCV003901859.3).

ClinVar aggregate classification (germline): Pathogenic (1 of 4 stars; one submission).

Conditions:
Neurodevelopmental disorder. Identifiers: MedGen C1535926, MeSH D065886, MONDO:0700092.

Submission:

Victorian Clinical Genetics Services, Murdoch Childrens Research Institute
Classification: Pathogenic for Neurodevelopmental disorder. Last evaluated: 2025-02-24. Review status: criteria provided, single submitter. Criteria: ACMG Guidelines, 2015. Collection method: clinical testing. Allele origin: germline. Affected: yes.
Comment: This variant is classified as Pathogenic. Evidence in support of pathogenic classification: Variant is predicted to cause nonsense-mediated decay (NMD) and loss of protein (premature termination codon is located at least 54 nucleotides upstream of the final exon-exon junction); Variant is absent from gnomAD (v2, v3 and v4); Other NMD-predicted variant(s) comparable to the one identified in this case have very strong previous evidence for pathogenicity. Multiple NMD-predicted variants have been reported in individuals with neurodevelopmental disorders (PMID: 37183800, DECIPHER, ClinVar - personal communications). Additional information: This variant is heterozygous; This gene is associated with autosomal dominant disease; This variant has no previous evidence of pathogenicity; No published segregation evidence has been identified for this variant; No published functional evidence has been identified for this variant; Loss of function is a known mechanism of disease in this gene and is associated with neurodevelopmental disorder (MONDO:0700092), UNC79-related; Inheritance information for this variant is not currently available in this individual.

Literature cited by the submitters: PubMed 37183800.